The following is an entry in ClinVar:

NM_007294.4(BRCA1):c.5444G>T (p.Trp1815Leu)

Gene: BRCA1 (BRCA1 DNA repair associated; minus strand). Cytogenetic location: 17q21.31.
Variant type: single nucleotide variant.
Coding change: c.5444G>T on transcript NM_007294.4 (MANE Select); coding-DNA position 5444, G replaced by T.
Protein change: p.Trp1815Leu; replaces tryptophan 1815 with leucine.
Molecular consequence: missense variant. On other transcripts: synonymous variant (17).
Genome position (GRCh38, 1-based): chr17:43,047,666, C>A on the plus strand (G>T on the coding strand, the complement: BRCA1 is on the minus strand). VCF-style: chr17-43047666-C-A. GRCh37 (hg19) VCF-style: chr17-41199683-C-A.
Other names: c.5360G>T, p.Trp1787Leu (NM_001407660.1, NM_001407661.1, NM_001407662.1 and 2 more transcripts); c.5321G>T, p.Trp1774Leu (NM_001407664.1, NM_001407665.1, NM_001407666.1 and 3 more transcripts); c.5318G>T, p.Trp1773Leu (NM_001407670.1, NM_001407671.1, NM_001407672.1 and 8 more transcripts); c.5315G>T, p.Trp1772Leu (NM_001407681.1, NM_001407682.1, NM_001407683.1 and 6 more transcripts); c.5312G>T, p.Trp1771Leu (NM_001407690.1, NM_001407691.1); c.5303G>T, p.Trp1768Leu (NM_001407692.1, NM_001407694.1, NM_001407695.1 and 12 more transcripts); c.5300G>T, p.Trp1767Leu (NM_001407732.1, NM_001407733.1, NM_001407734.1 and 18 more transcripts); c.5297G>T, p.Trp1766Leu (NM_001407838.1, NM_001407839.1, NM_001407841.1 and 12 more transcripts); and 83 more; short protein forms W1836L, W1768L, W1815L, W711L, W1518L, W1646L, W1727L, W1748L.
Identifiers: ClinVar variation 868499 (VCV000868499.3), dbSNP rs80356962, ClinGen allele CA10590519.

Conditions:
Breast-ovarian cancer, familial, susceptibility to, 1 (BROVCA1). Also called: BRCA1 Hereditary Breast and Ovarian Cancer; OVARIAN CANCER, SUSCEPTIBILITY TO. Identifiers: Orphanet 145, MedGen C2676676, MONDO:0011450, OMIM 604370. Disease mechanism: loss of function.

Submission:

Brotman Baty Institute, University of Washington
No classification provided (evidence only). Condition: Breast-ovarian cancer, familial 1. Review status: no classification provided. Collection method: in vitro. Allele origin: not applicable. Functional consequence: functionally_normal.
ClinVar note: "not provided" was previously submitted as the classification for the variant. However, the classification appeared to be based only on an observation of functional data so it was converted to no classification on 2025-07-30.